The following is an entry in ClinVar:

ClinVar aggregate classification (germline): Uncertain significance (1 of 4 stars; one submission).

Conditions:
MHC class I deficiency. Identifiers: Orphanet 34592, MedGen C6024714, MONDO:0011476.

Submission:

Labcorp Genetics (formerly Invitae), Labcorp
Classification: Uncertain significance for MHC class I deficiency 1. Last evaluated: 2023-05-21. Review status: criteria provided, single submitter. Criteria: Invitae Variant Classification Sherloc (09022015). Collection method: clinical testing. Allele origin: germline.
Comment: This sequence change creates a premature translational stop signal (p.Lys290Asnfs*7) in the TAPBP gene. It is expected to result in an absent or disrupted protein product. However, the current clinical and genetic evidence is not sufficient to establish whether loss-of-function variants in TAPBP cause disease. This variant is present in population databases (rs766321318, gnomAD 0.001%). In summary, the available evidence is currently insufficient to determine the role of this variant in disease. Therefore, it has been classified as a Variant of Uncertain Significance. This variant has not been reported in the literature in individuals affected with TAPBP-related conditions.

NM_003190.5(TAPBP):c.869delA (p.Lys290fs)

Gene: TAPBP (TAP binding protein; minus strand). Cytogenetic location: 6p21.32.
Variant type: Deletion.
Coding change: c.869delA on transcript NM_003190.5 (MANE Select); coding-DNA position 869, one base deleted (A).
Protein change: p.Lys290fs; shifts the reading frame from lysine 290.
Molecular consequence: frameshift variant.
Genome position (GRCh38, 1-based): chr6:33,304,637, T deleted on the plus strand (A on the coding strand, the reverse complement: TAPBP is on the minus strand); the first of 2 consecutive T bases (chr6:33,304,637-33,304,638); deleting either gives the same sequence. VCF-style (leftmost placement, unchanged base first): chr6-33304636-GT-G. GRCh37 (hg19) VCF-style: chr6-33272413-GT-G.
Other names: c.869delA, p.Lys290fs (NM_172208.3, NM_001410875.1); c.608delA, p.Lys203fs (NM_172209.3); short protein forms K290fs, K203fs.
Identifiers: ClinVar variation 2842694 (VCV002842694.3), dbSNP rs766321318, ClinGen allele CA3755774.